The following is an entry in ClinVar:

NM_005048.4(PTH2R):c.1008G>A (p.Thr336=)

Gene: PTH2R (parathyroid hormone 2 receptor; plus strand). Cytogenetic location: 2q34.
Variant type: single nucleotide variant.
Coding change: c.1008G>A on transcript NM_005048.4 (MANE Select); coding-DNA position 1008, G replaced by A.
Protein change: p.Thr336=; no amino-acid change (threonine 336 retained).
Molecular consequence: synonymous variant. On other transcripts: non-coding transcript variant (3), intron variant (1).
Genome position (GRCh38, 1-based): chr2:208,481,096, G>A. VCF-style: chr2-208481096-G-A. GRCh37 (hg19) VCF-style: chr2-209345821-G-A.
Other names: c.675G>A, p.Thr225= (NM_001309516.2, NM_001371905.1, NM_001371906.1); c.649-12168G>A (NM_001371907.1).
Identifiers: ClinVar variation 3039503 (VCV003039503.2), dbSNP rs182530906, ClinGen allele CA2081250.
Genomic context (GRCh38, chr2:208,481,096, plus strand): 5'-CAATAATTCTTTGTAATCTTACCTTCTTTTTCAGCTGAATTTTATTCTGTTTCTGAATAC[G>A]GTTAGAGTTCTAGCTACCAAAATCTGGGAGACCAATGCAGTTGGGCATGACACAAGGAAG-3'
Protein context (NP_005039.1, residues 326-346): IGLNFILFLN[Thr336=]VRVLATKIWE

ClinVar aggregate classification (germline): Likely benign (0 of 4 stars; one submission).

Conditions:
PTH2R-related disorder. Also called: PTH2R-related condition.

Allele frequency attached by ClinVar (database versions not stated): TOPMed 0.00030; ESP Exome Variant Server 0.00038; gnomAD 0.00043; gnomAD exomes 0.00054; ExAC 0.00096; 1000 Genomes Project 30x 0.00125; 1000 Genomes Project 0.00160.
gnomAD v4.1: 890 of 1,609,244 alleles (0.055%); highest among the groups gnomAD compares: Middle Eastern, 1.1%; 4 homozygotes.

Submission:

PreventionGenetics, part of Exact Sciences
Classification: Likely benign for PTH2R-related condition. Last evaluated: 2023-01-12. Review status: no assertion criteria provided. Collection method: clinical testing. Allele origin: germline.
Comment: This variant is classified as likely benign based on ACMG/AMP sequence variant interpretation guidelines (Richards et al. 2015 PMID: 25741868, with internal and published modifications).